The following is an entry in ClinVar:

NM_005982.4(SIX1):c.620A>C (p.Glu207Ala)

Gene: SIX1 (SIX homeobox 1; minus strand). Cytogenetic location: 14q23.1.
Variant type: single nucleotide variant.
Coding change: c.620A>C on transcript NM_005982.4 (MANE Select); coding-DNA position 620, A replaced by C.
Protein change: p.Glu207Ala; replaces glutamic acid 207 with alanine.
Molecular consequence: missense variant.
Genome position (GRCh38, 1-based): chr14:60,646,518, T>G on the plus strand (A>C on the coding strand, the complement: SIX1 is on the minus strand). VCF-style: chr14-60646518-T-G. GRCh37 (hg19) VCF-style: chr14-61113236-T-G.
Other names: short protein forms E207A.
Identifiers: ClinVar variation 1030044 (VCV001030044.5), dbSNP rs1894944353, ClinGen allele CA389909903.
Genomic context (GRCh38, chr14:60,646,518, plus strand): 5'-TCTGGACTTTGGGGAGGTGAGAATTCCTCTTCTGAGCTGGACATGAGCGGCTTGCCCCCT[T>G]CCAGAGGAGAGAGTTGGTTCTGCTTGTTGGAGGAGGAGTTATTGTTTTCGGTGTTCTCCC-3'
Protein context (NP_005973.1, residues 197-217): SNKQNQLSPL[Glu207Ala]GGKPLMSSSE

ClinVar aggregate classification (germline): Uncertain significance. Review status: criteria provided, multiple submitters, no conflicts (2 of 4 stars). 3 submissions from 3 submitters: Uncertain significance (3). Last evaluated 2024-04-07.

Conditions:
Branchiootic syndrome 3 (BOS3). Also called: BO SYNDROME 3. Identifiers: MedGen C1842124, MONDO:0012025, OMIM 608389.
Autosomal dominant nonsyndromic hearing loss 23. Identifiers: Orphanet 90635, MedGen C1854594, MONDO:0011519, OMIM 605192.

Allele frequency attached by ClinVar (database versions not stated): gnomAD exomes below 0.00001.

Submissions (3):

Fulgent Genetics
Classification: Uncertain significance for Autosomal dominant nonsyndromic hearing loss 23; Branchiootic syndrome 3. Last evaluated: 2024-04-07. Review status: criteria provided, single submitter. Criteria: ACMG Guidelines, 2015. Collection method: clinical testing. Allele origin: germline.

Labcorp Genetics (formerly Invitae), Labcorp
Classification: Uncertain significance for Autosomal dominant nonsyndromic hearing loss 23; Branchiootic syndrome 3. Last evaluated: 2023-04-14. Review status: criteria provided, single submitter. Criteria: Invitae Variant Classification Sherloc (09022015). Collection method: clinical testing. Allele origin: germline.
Comment: This sequence change replaces glutamic acid, which is acidic and polar, with alanine, which is neutral and non-polar, at codon 207 of the SIX1 protein (p.Glu207Ala). In summary, the available evidence is currently insufficient to determine the role of this variant in disease. Therefore, it has been classified as a Variant of Uncertain Significance. Advanced modeling of protein sequence and biophysical properties (such as structural, functional, and spatial information, amino acid conservation, physicochemical variation, residue mobility, and thermodynamic stability) performed at Invitae indicates that this missense variant is not expected to disrupt SIX1 protein function. ClinVar contains an entry for this variant (Variation ID: 1030044). This variant has not been reported in the literature in individuals affected with SIX1-related conditions. This variant is not present in population databases (gnomAD no frequency).

Baylor Genetics
Classification: Uncertain significance for Branchiootic syndrome 3. Last evaluated: 2019-01-03. Review status: criteria provided, single submitter. Criteria: ACMG Guidelines, 2015. Collection method: clinical testing. Allele origin: unknown. Affected: yes.
Comment: This variant was determined to be of uncertain significance according to ACMG Guidelines, 2015 [PMID:25741868].